The following is an entry in ClinVar:

ClinVar aggregate classification (germline): Likely pathogenic (1 of 4 stars; one submission).

Conditions:
Biotinidase deficiency. Also called: BTD deficiency; Late-onset biotin-responsive multiple carboxylase deficiency; Biotin deficiency. Identifiers: Orphanet 79241, MedGen C0220754, MONDO:0009665, OMIM 253260.

Submission:

Labcorp Genetics (formerly Invitae), Labcorp
Classification: Likely pathogenic for Biotinidase deficiency. Last evaluated: 2025-08-27. Review status: criteria provided, single submitter. Criteria: Invitae Variant Classification Sherloc (09022015). Collection method: clinical testing. Allele origin: germline.
Comment: This sequence change replaces threonine, which is neutral and polar, with asparagine, which is neutral and polar, at codon 234 of the BTD protein (p.Thr234Asn). This variant is not present in population databases (gnomAD no frequency). This variant has not been reported in the literature in individuals affected with BTD-related conditions. Invitae Evidence Modeling of protein sequence and biophysical properties (such as structural, functional, and spatial information, amino acid conservation, physicochemical variation, residue mobility, and thermodynamic stability) indicates that this missense variant is expected to disrupt BTD protein function with a positive predictive value of 95%. This variant disrupts the p.Thr234 amino acid residue in BTD. Other variant(s) that disrupt this residue have been determined to be pathogenic (PMID: 24797656, 27657684). This suggests that this residue is clinically significant, and that variants that disrupt this residue are likely to be disease-causing. In summary, the currently available evidence indicates that the variant is pathogenic, but additional data are needed to prove that conclusively. Therefore, this variant has been classified as Likely Pathogenic.

Literature cited by the submitters: PubMed 24797656; PubMed 27657684.

NM_001370658.1(BTD):c.641C>A (p.Thr214Asn)

Gene: BTD (biotinidase; plus strand). Cytogenetic location: 3p25.1.
Variant type: single nucleotide variant.
Coding change: c.641C>A on transcript NM_001370658.1 (MANE Select); coding-DNA position 641, C replaced by A.
Protein change: p.Thr214Asn; replaces threonine 214 with asparagine.
Molecular consequence: missense variant. On other transcripts: intron variant (6).
Genome position (GRCh38, 1-based): chr3:15,644,557, C>A. VCF-style: chr3-15644557-C-A. GRCh37 (hg19) VCF-style: chr3-15686064-C-A.
Other names: c.641C>A, p.Thr214Asn (NM_001407368.1, NM_001407369.1, NM_001407370.1 and 18 more transcripts); c.399+2500C>A (NM_001370753.1, NM_001407400.1, NM_001407401.1 and 3 more transcripts); short protein forms T214N.
Identifiers: ClinVar variation 4745934 (VCV004745934.1).